The following is an entry in ClinVar:

NM_000294.3(PHKG2):c.1026G>A (p.Ala342=)

Gene: PHKG2 (phosphorylase kinase catalytic subunit gamma 2; plus strand). Cytogenetic location: 16p11.2.
Variant type: single nucleotide variant.
Coding change: c.1026G>A on transcript NM_000294.3 (MANE Select); coding-DNA position 1026, G replaced by A.
Protein change: p.Ala342=; no amino-acid change (alanine 342 retained).
Molecular consequence: synonymous variant.
Genome position (GRCh38, 1-based): chr16:30,756,902, G>A. VCF-style: chr16-30756902-G-A. GRCh37 (hg19) VCF-style: chr16-30768223-G-A.
Other names: c.1026G>A, p.Ala342= (NM_001172432.2).
Identifiers: ClinVar variation 506320 (VCV000506320.5), dbSNP rs200852313, ClinGen allele CA8013386.

ClinVar aggregate classification (germline): Likely benign. Review status: criteria provided, multiple submitters, no conflicts (2 of 4 stars). 2 submissions from 2 submitters: Likely benign (2). Last evaluated 2026-01-21.

Conditions:
Glycogen storage disease IXc (GSD9C). Also called: GSD IXc. Identifiers: Orphanet 264580, MedGen C2751643, MONDO:0013091, OMIM 613027.

Allele frequency attached by ClinVar (database versions not stated): gnomAD 0.00001; ExAC 0.00002; gnomAD exomes 0.00002 and 0.00003; TOPMed 0.00002.

Submissions (2):

Labcorp Genetics (formerly Invitae), Labcorp
Classification: Likely benign for Glycogen storage disease IXc. Last evaluated: 2026-01-21. Review status: criteria provided, single submitter. Criteria: Invitae Variant Classification Sherloc (09022015). Collection method: clinical testing. Allele origin: germline.

GeneDx
Classification: Likely benign. Last evaluated: 2017-02-01. Review status: criteria provided, single submitter. Criteria: GeneDx Variant Classification (06012015). Collection method: clinical testing. Allele origin: germline. Affected: yes.
Comment: This variant is considered likely benign or benign based on one or more of the following criteria: it is a conservative change, it occurs at a poorly conserved position in the protein, it is predicted to be benign by multiple in silico algorithms, and/or has population frequency not consistent with disease.